The following is an entry in ClinVar:

NM_001110556.2(FLNA):c.5016C>T (p.Ile1672=)

Gene: FLNA (filamin A; minus strand). Cytogenetic location: Xq28.
Variant type: single nucleotide variant.
Coding change: c.5016C>T on transcript NM_001110556.2 (MANE Select); coding-DNA position 5016, C replaced by T.
Protein change: p.Ile1672=; no amino-acid change (isoleucine 1672 retained).
Molecular consequence: synonymous variant.
Genome position (GRCh38, 1-based): chrX:154,355,026, G>A on the plus strand (C>T on the coding strand, the complement: FLNA is on the minus strand). VCF-style: chrX-154355026-G-A. GRCh37 (hg19) VCF-style: chrX-153583394-G-A.
Other names: c.4992C>T, p.Ile1664= (NM_001456.4).
Identifiers: ClinVar variation 5038706 (VCV005038706.1).

ClinVar aggregate classification (germline): Likely benign (1 of 4 stars; one submission).

Submission:

CeGaT Center for Human Genetics Tuebingen
Classification: Likely benign. Last evaluated: 2026-07-01. Review status: criteria provided, single submitter. Criteria: CeGaT Center For Human Genetics Tuebingen Variant Classification Criteria Version 2. Collection method: clinical testing. Allele origin: germline. Affected: yes. Observed: 1 variant allele.
Comment: FLNA: PM2:Supporting, BP4, BP7